The following is an entry in ClinVar:

ClinVar aggregate classification (germline): Likely benign. Review status: criteria provided, multiple submitters, no conflicts (2 of 4 stars). 3 submissions from 3 submitters: Likely benign (3). Last evaluated 2026-06-29.

Conditions:
KRT10-related disorder. Also called: KRT10-related condition.

gnomAD v4.1: 67 of 1,221,092 alleles (0.0055%); highest among the groups gnomAD compares: East Asian, 0.042%; 1 homozygote.

Submissions (3):

PreventionGenetics, part of Exact Sciences
Classification: Likely benign for KRT10-related condition. Last evaluated: 2026-06-29. Review status: criteria provided, single submitter. Criteria: ACMG Guidelines, 2015. Collection method: clinical testing. Allele origin: germline.
Comment: This variant is classified as likely benign based on ACMG/AMP sequence variant interpretation guidelines (Richards et al. 2015 PMID: 25741868, with internal and published modifications).

CeGaT Center for Human Genetics Tuebingen
Classification: Likely benign. Last evaluated: 2026-05-01. Review status: criteria provided, single submitter. Criteria: CeGaT Center For Human Genetics Tuebingen Variant Classification Criteria Version 2. Collection method: clinical testing. Allele origin: germline. Affected: yes. Observed: 1 variant allele.
Comment: KRT10: BP4, BP7

Blueprint Genetics
Classification: Likely benign. Last evaluated: 2024-11-27. Review status: criteria provided, single submitter. Criteria: ACMG Guidelines, 2015. Collection method: clinical testing. Allele origin: germline.

NM_000421.5(KRT10):c.1575T>C (p.Ser525=)

Gene: KRT10 (keratin 10; minus strand). Cytogenetic location: 17q21.2.
Variant type: single nucleotide variant.
Coding change: c.1575T>C on transcript NM_000421.5 (MANE Select); coding-DNA position 1575, T replaced by C.
Protein change: p.Ser525=; no amino-acid change (serine 525 retained).
Molecular consequence: synonymous variant.
Genome position (GRCh38, 1-based): chr17:40,818,960, A>G on the plus strand (T>C on the coding strand, the complement: KRT10 is on the minus strand). VCF-style: chr17-40818960-A-G. GRCh37 (hg19) VCF-style: chr17-38975212-A-G.
Other names: c.1575T>C (NM_000421.3); c.1575T>C, p.Ser525= (NM_001379366.1).
Identifiers: ClinVar variation 4872018 (VCV004872018.4).
Genomic context (GRCh38, chr17:40,818,960, plus strand): 5'-GCCGCCCCCGTAGCCGCCGCCGCCGCCGCCGGAACTGCCACCACCGTAGCCGCCGCTGGA[A>G]CTGCCGCCGTGGCCGCCGCTGGAGCTTCCGCCCCCGTAGCCGCCGCCGGAGCTTCCGCCG-3'
Protein context (NP_000412.4, residues 515-535): GGSSSGGHGG[Ser525=]SSGGYGGGSS